The following is an entry in ClinVar:

ClinVar aggregate classification (germline): Uncertain significance (1 of 4 stars; one submission).

Conditions:
Joubert syndrome. Also called: CEREBELLOPARENCHYMAL DISORDER IV; JOUBERT-BOLTSHAUSER SYNDROME; Familial aplasia of the vermis. Identifiers: Orphanet 475, MedGen C5979921, MONDO:0018772.
Meckel-Gruber syndrome. Also called: DYSENCEPHALIA SPLANCHNOCYSTICA; GRUBER SYNDROME; Dysencephalia splachnocystica. Identifiers: Orphanet 564, MedGen C0265215, MONDO:0018921.
Nephronophthisis. Also called: Juvenile Nephronophthisis. Identifiers: Orphanet 655, MedGen C0687120, MONDO:0019005, HP:0000090.

Submission:

Labcorp Genetics (formerly Invitae), Labcorp
Classification: Uncertain significance for Joubert syndrome; Meckel-Gruber syndrome; Nephronophthisis. Last evaluated: 2022-03-14. Review status: criteria provided, single submitter. Criteria: Invitae Variant Classification Sherloc (09022015). Collection method: clinical testing. Allele origin: germline.
Comment: In summary, the available evidence is currently insufficient to determine the role of this variant in disease. Therefore, it has been classified as a Variant of Uncertain Significance. Algorithms developed to predict the effect of missense changes on protein structure and function are either unavailable or do not agree on the potential impact of this missense change (SIFT: "Deleterious"; PolyPhen-2: "Probably Damaging"; Align-GVGD: "Class C0"). This variant has not been reported in the literature in individuals affected with CEP290-related conditions. This variant is not present in population databases (gnomAD no frequency). This sequence change replaces glutamine, which is neutral and polar, with proline, which is neutral and non-polar, at codon 328 of the CEP290 protein (p.Gln328Pro).

NM_025114.4(CEP290):c.983A>C (p.Gln328Pro)

Gene: CEP290 (centrosomal protein 290; minus strand). Cytogenetic location: 12q21.32.
Variant type: single nucleotide variant.
Coding change: c.983A>C on transcript NM_025114.4 (MANE Select); coding-DNA position 983, A replaced by C.
Protein change: p.Gln328Pro; replaces glutamine 328 with proline.
Molecular consequence: missense variant.
Genome position (GRCh38, 1-based): chr12:88,126,398, T>G on the plus strand (A>C on the coding strand, the complement: CEP290 is on the minus strand). VCF-style: chr12-88126398-T-G. GRCh37 (hg19) VCF-style: chr12-88520175-T-G.
Other names: short protein forms Q328P.
Identifiers: ClinVar variation 1922918 (VCV001922918.5), dbSNP rs2501335928, ClinGen allele CA385982971.